The following is an entry in ClinVar:

NM_001184.4(ATR):c.5145G>A (p.Leu1715=)

Gene: ATR (ATR checkpoint kinase; minus strand). Cytogenetic location: 3q23.
Variant type: single nucleotide variant.
Coding change: c.5145G>A on transcript NM_001184.4 (MANE Select); coding-DNA position 5145, G replaced by A.
Protein change: p.Leu1715=; no amino-acid change (leucine 1715 retained).
Molecular consequence: synonymous variant.
Genome position (GRCh38, 1-based): chr3:142,505,190, C>T on the plus strand (G>A on the coding strand, the complement: ATR is on the minus strand). VCF-style: chr3-142505190-C-T. GRCh37 (hg19) VCF-style: chr3-142224032-C-T.
Other names: c.4953G>A, p.Leu1651= (NM_001354579.2).
Identifiers: ClinVar variation 1525384 (VCV001525384.12), dbSNP rs140570011, ClinGen allele CA2649676.

ClinVar aggregate classification (germline): Likely benign. Review status: criteria provided, multiple submitters, no conflicts (2 of 4 stars). 5 submissions from 4 submitters: Likely benign (4). 1 of the submissions does not count toward it. Last evaluated 2026-01-27.

Conditions:
Inborn genetic diseases. Identifiers: MedGen C0950123, MeSH D030342.
Familial cutaneous telangiectasia and oropharyngeal predisposition cancer syndrome. Identifiers: Orphanet 313846, MedGen C3281203, MONDO:0013806, OMIM 614564.
Seckel syndrome 1 (SCKL1). Also called: MICROCEPHALIC PRIMORDIAL DWARFISM I. Identifiers: Orphanet 808, MedGen C4551474, MONDO:0008869, OMIM 210600.
ATR-related disorder. Also called: ATR-related condition.

Allele frequency attached by ClinVar (database versions not stated): gnomAD 0.00003; ExAC 0.00004; gnomAD exomes 0.00004 and 0.00006; TOPMed 0.00006; ESP Exome Variant Server 0.00023.
gnomAD v4.1: 107 of 1,614,066 alleles (0.0066%); highest among the groups gnomAD compares: Non-Finnish European, 0.0078%; no homozygotes.

Submissions (5):

Labcorp Genetics (formerly Invitae), Labcorp
Classification: Likely benign. Last evaluated: 2026-01-27. Review status: criteria provided, single submitter. Criteria: Invitae Variant Classification Sherloc (09022015). Collection method: clinical testing. Allele origin: germline.

Genome-Nilou Lab
Classification: Likely benign for Seckel syndrome 1. Last evaluated: 2023-02-08. Review status: criteria provided, single submitter. Criteria: ACMG Guidelines, 2015. Collection method: clinical testing. Allele origin: germline.

Genome-Nilou Lab
Classification: Likely benign for Familial cutaneous telangiectasia and oropharyngeal predisposition cancer syndrome. Last evaluated: 2023-02-08. Review status: criteria provided, single submitter. Criteria: ACMG Guidelines, 2015. Collection method: clinical testing. Allele origin: germline.

Ambry Genetics
Classification: Likely benign for Inborn genetic diseases. Last evaluated: 2022-03-06. Review status: criteria provided, single submitter. Criteria: Ambry Variant Classification Scheme 2023. Collection method: clinical testing. Allele origin: germline.

PreventionGenetics, part of Exact Sciences
Classification: Likely benign for ATR-related condition. Last evaluated: 2019-05-08. Review status: no assertion criteria provided. Collection method: clinical testing. Allele origin: germline. Not counted in ClinVar's aggregate classification.
Comment: This variant is classified as likely benign based on ACMG/AMP sequence variant interpretation guidelines (Richards et al. 2015 PMID: 25741868, with internal and published modifications).